The following is an entry in ClinVar:

NM_005559.4(LAMA1):c.3419G>A (p.Arg1140His)

Gene: LAMA1 (laminin subunit alpha 1; minus strand). Cytogenetic location: 18p11.31.
Variant type: single nucleotide variant.
Coding change: c.3419G>A on transcript NM_005559.4 (MANE Select); coding-DNA position 3419, G replaced by A.
Protein change: p.Arg1140His; replaces arginine 1140 with histidine.
Molecular consequence: missense variant.
Genome position (GRCh38, 1-based): chr18:7,012,083, C>T on the plus strand (G>A on the coding strand, the complement: LAMA1 is on the minus strand). VCF-style: chr18-7012083-C-T. GRCh37 (hg19) VCF-style: chr18-7012082-C-T.
Other names: short protein forms R1140H.
Identifiers: ClinVar variation 2067875 (VCV002067875.6), dbSNP rs201623766, ClinGen allele CA8882295.

ClinVar aggregate classification (germline): Conflicting classifications of pathogenicity. Review status: criteria provided, conflicting classifications (1 of 4 stars). 3 submissions from 3 submitters: Uncertain significance (1); Likely benign (2). Last evaluated 2025-07-14.

Conditions:
Inborn genetic diseases. Identifiers: MedGen C0950123, MeSH D030342.

Allele frequency attached by ClinVar (database versions not stated): TOPMed 0.00005; gnomAD 0.00009; ExAC 0.00011; gnomAD exomes 0.00015; 1000 Genomes Project 0.00040; 1000 Genomes Project 30x 0.00047.
gnomAD v4.1: 229 of 1,613,358 alleles (0.014%); highest among the groups gnomAD compares: East Asian, 0.29%; 1 homozygote.

Submissions (3):

Labcorp Genetics (formerly Invitae), Labcorp
Classification: Uncertain significance. Last evaluated: 2025-07-14. Review status: criteria provided, single submitter. Criteria: Invitae Variant Classification Sherloc (09022015). Collection method: clinical testing. Allele origin: germline.
Comment: This sequence change replaces arginine, which is basic and polar, with histidine, which is basic and polar, at codon 1140 of the LAMA1 protein (p.Arg1140His). This variant is present in population databases (rs201623766, gnomAD 0.08%). This variant has not been reported in the literature in individuals affected with LAMA1-related conditions. ClinVar contains an entry for this variant (Variation ID: 2067875). Invitae Evidence Modeling of protein sequence and biophysical properties (such as structural, functional, and spatial information, amino acid conservation, physicochemical variation, residue mobility, and thermodynamic stability) indicates that this missense variant is not expected to disrupt LAMA1 protein function with a negative predictive value of 80%. In summary, the available evidence is currently insufficient to determine the role of this variant in disease. Therefore, it has been classified as a Variant of Uncertain Significance.

Blueprint Genetics
Classification: Likely benign. Last evaluated: 2024-11-18. Review status: criteria provided, single submitter. Criteria: ACMG Guidelines, 2015. Collection method: clinical testing. Allele origin: germline.

Ambry Genetics
Classification: Likely benign for Inborn genetic diseases. Last evaluated: 2022-05-04. Review status: criteria provided, single submitter. Criteria: Ambry Variant Classification Scheme 2023. Collection method: clinical testing. Allele origin: germline.